The following is an entry in ClinVar:

ClinVar aggregate classification (germline): Uncertain significance. Review status: criteria provided, multiple submitters, no conflicts (2 of 4 stars). 2 submissions from 2 submitters: Uncertain significance (2). Last evaluated 2022-07-14.

Conditions:
Charcot-Marie-Tooth disease type 4. Also called: Charcot-Marie-Tooth disease, type IV; Charcot-Marie-Tooth, Type 4. Identifiers: Orphanet 64749, MedGen C4082197, MONDO:0018995.

Allele frequency attached by ClinVar (database versions not stated): gnomAD 0.00001; gnomAD exomes 0.00001; TOPMed 0.00001.
gnomAD v4.1: 12 of 1,613,864 alleles (0.00074%); highest among the groups gnomAD compares: Admixed American, 0.0033%; no homozygotes.

Submissions (2):

Labcorp Genetics (formerly Invitae), Labcorp
Classification: Uncertain significance for Charcot-Marie-Tooth disease type 4. Last evaluated: 2022-07-14. Review status: criteria provided, single submitter. Criteria: Invitae Variant Classification Sherloc (09022015). Collection method: clinical testing. Allele origin: germline.
Comment: This sequence change replaces arginine, which is basic and polar, with histidine, which is basic and polar, at codon 266 of the MTMR2 protein (p.Arg266His). This variant is present in population databases (rs775237206, gnomAD 0.006%). This variant has not been reported in the literature in individuals affected with MTMR2-related conditions. ClinVar contains an entry for this variant (Variation ID: 1027147). Advanced modeling of protein sequence and biophysical properties (such as structural, functional, and spatial information, amino acid conservation, physicochemical variation, residue mobility, and thermodynamic stability) performed at Invitae indicates that this missense variant is expected to disrupt MTMR2 protein function. In summary, the available evidence is currently insufficient to determine the role of this variant in disease. Therefore, it has been classified as a Variant of Uncertain Significance.

Blueprint Genetics
Classification: Uncertain significance. Last evaluated: 2022-04-30. Review status: criteria provided, single submitter. Criteria: ACMG Guidelines, 2015. Collection method: clinical testing. Allele origin: germline.

NM_016156.6(MTMR2):c.797G>A (p.Arg266His)

Gene: MTMR2 (myotubularin related protein 2; minus strand). Cytogenetic location: 11q21.
Variant type: single nucleotide variant.
Coding change: c.797G>A on transcript NM_016156.6 (MANE Select); coding-DNA position 797, G replaced by A.
Protein change: p.Arg266His; replaces arginine 266 with histidine.
Molecular consequence: missense variant.
Genome position (GRCh38, 1-based): chr11:95,850,607, C>T on the plus strand (G>A on the coding strand, the complement: MTMR2 is on the minus strand). VCF-style: chr11-95850607-C-T. GRCh37 (hg19) VCF-style: chr11-95583771-C-T.
Other names: c.581G>A, p.Arg194His (NM_001243571.2, NM_201278.3, NM_201281.3); short protein forms R194H, R266H.
Identifiers: ClinVar variation 1027147 (VCV001027147.9), dbSNP rs775237206, ClinGen allele CA6240231.
Genomic context (GRCh38, chr11:95,850,607, plus strand): 5'-ATTATGTTGAGTAAAAAAGCACTTGCAAAGGCTCATCCAAACTTCCTACTTACTGGGATA[C>T]GGCCTCTTGATCTGAAGGATGCCACTCTCTTTAATTCTTCATCAGGAATATTTGCTGGCA-3'
Protein context (NP_057240.3, residues 256-276): KRVASFRSRG[Arg266His]IPVLSWIHPE